The following is an entry in ClinVar:

NM_001371986.1(UNC80):c.492C>G (p.Ser164Arg)

Gene: UNC80 (unc-80 subunit of NALCN channel complex; plus strand). Cytogenetic location: 2q34.
Variant type: single nucleotide variant.
Coding change: c.492C>G on transcript NM_001371986.1 (MANE Select); coding-DNA position 492, C replaced by G.
Protein change: p.Ser164Arg; replaces serine 164 with arginine.
Molecular consequence: missense variant.
Genome position (GRCh38, 1-based): chr2:209,777,451, C>G. VCF-style: chr2-209777451-C-G. GRCh37 (hg19) VCF-style: chr2-210642175-C-G.
Other names: c.492C>G, p.Ser164Arg (NM_032504.2, NM_182587.4); short protein forms S164R.
Identifiers: ClinVar variation 2007222 (VCV002007222.4), dbSNP rs2470895683, ClinGen allele CA350131323.

ClinVar aggregate classification (germline): Uncertain significance (1 of 4 stars; one submission).

Submission:

Labcorp Genetics (formerly Invitae), Labcorp
Classification: Uncertain significance. Last evaluated: 2022-06-15. Review status: criteria provided, single submitter. Criteria: Invitae Variant Classification Sherloc (09022015). Collection method: clinical testing. Allele origin: germline.
Comment: This sequence change replaces serine, which is neutral and polar, with arginine, which is basic and polar, at codon 164 of the UNC80 protein (p.Ser164Arg). This variant is not present in population databases (gnomAD no frequency). This variant has not been reported in the literature in individuals affected with UNC80-related conditions. Algorithms developed to predict the effect of missense changes on protein structure and function are either unavailable or do not agree on the potential impact of this missense change (SIFT: "Not Available"; PolyPhen-2: "Benign"; Align-GVGD: "Not Available"). In summary, the available evidence is currently insufficient to determine the role of this variant in disease. Therefore, it has been classified as a Variant of Uncertain Significance.